The following is an entry in ClinVar:

ClinVar aggregate classification (germline): Uncertain significance. Review status: criteria provided, multiple submitters, no conflicts (2 of 4 stars). 2 submissions from 2 submitters: Uncertain significance (2). Last evaluated 2022-07-19.

Conditions:
T-cell immunodeficiency with epidermodysplasia verruciformis. Identifiers: Orphanet 324294, MedGen C4749500, MONDO:0017925.

Allele frequency attached by ClinVar (database versions not stated): gnomAD exomes below 0.00001; ExAC 0.00001; gnomAD 0.00001; TOPMed 0.00002.
gnomAD v4.1: 6 of 1,614,062 alleles (0.00037%); highest among the groups gnomAD compares: African/African-American, 0.008%; no homozygotes.

Submissions (2):

Labcorp Genetics (formerly Invitae), Labcorp
Classification: Uncertain significance for T-cell immunodeficiency with epidermodysplasia verruciformis. Last evaluated: 2022-07-19. Review status: criteria provided, single submitter. Criteria: Invitae Variant Classification Sherloc (09022015). Collection method: clinical testing. Allele origin: germline.
Comment: This variant is present in population databases (rs765575265, gnomAD 0.02%). This sequence change replaces serine, which is neutral and polar, with glycine, which is neutral and non-polar, at codon 104 of the RHOH protein (p.Ser104Gly). This variant has not been reported in the literature in individuals affected with RHOH-related conditions. In summary, the available evidence is currently insufficient to determine the role of this variant in disease. Therefore, it has been classified as a Variant of Uncertain Significance. Algorithms developed to predict the effect of missense changes on protein structure and function (SIFT, PolyPhen-2, Align-GVGD) all suggest that this variant is likely to be tolerated.

Ambry Genetics
Classification: Uncertain significance. Last evaluated: 2021-06-11. Review status: criteria provided, single submitter. Criteria: Ambry Variant Classification Scheme 2023. Collection method: clinical testing. Allele origin: germline.

NM_004310.5(RHOH):c.310A>G (p.Ser104Gly)

Gene: RHOH (ras homolog family member H; plus strand). Cytogenetic location: 4p14.
Variant type: single nucleotide variant.
Coding change: c.310A>G on transcript NM_004310.5 (MANE Select); coding-DNA position 310, A replaced by G.
Protein change: p.Ser104Gly; replaces serine 104 with glycine.
Molecular consequence: missense variant.
Genome position (GRCh38, 1-based): chr4:40,243,696, A>G. VCF-style: chr4-40243696-A-G. GRCh37 (hg19) VCF-style: chr4-40245316-A-G.
Other names: c.310A>G, p.Ser104Gly (NM_001278368.2, NM_001278369.2, NM_001278359.2 and 8 more transcripts); c.310A>G (NM_004310.3); short protein forms S104G.
Identifiers: ClinVar variation 1719148 (VCV001719148.7), dbSNP rs765575265, ClinGen allele CA2897754.